The following is an entry in ClinVar:

NM_000260.4(MYO7A):c.1717del (p.Leu573fs)

Gene: MYO7A (myosin VIIA; plus strand). Cytogenetic location: 11q13.5.
Variant type: Deletion.
Coding change: c.1717del on transcript NM_000260.4 (MANE Select); coding-DNA position 1717, one base deleted (C; older notation c.1717delC).
Protein change: p.Leu573fs; shifts the reading frame from leucine 573.
Molecular consequence: frameshift variant.
Genome position (GRCh38, 1-based): chr11:77,166,082, C deleted; the last of 3 consecutive C bases (chr11:77,166,080-77,166,082); deleting any one gives the same sequence. VCF-style (leftmost placement, unchanged base first): chr11-77166079-AC-A. GRCh37 (hg19) VCF-style: chr11-76877125-AC-A.
Other names: c.1717del, p.Leu573fs (NM_001127180.2); c.1684del, p.Leu562fs (NM_001369365.1); c.1717del (NM_000260.3); short protein forms L562fs, L573fs.
Identifiers: ClinVar variation 1076994 (VCV001076994.12), dbSNP rs1953513223, ClinGen allele CA939768388.

ClinVar aggregate classification (germline): Pathogenic. Review status: criteria provided, multiple submitters, no conflicts (2 of 4 stars). 3 submissions from 3 submitters: Pathogenic (3). Last evaluated 2025-04-15.

Conditions:
Usher syndrome type 1 (USH1). Also called: RETINITIS PIGMENTOSA AND CONGENITAL DEAFNESS. Identifiers: Orphanet 231169, Orphanet 886, MedGen C1568247, MONDO:0010168, OMIM 276900.
Usher syndrome type 1B (USH1B). Also called: Usher syndrome type IB. Identifiers: MedGen C1848638, MONDO:0700087.

Submissions (3):

Natera, Inc.
Classification: Pathogenic for Usher syndrome type 1B. Last evaluated: 2025-04-15. Review status: criteria provided, single submitter. Criteria: Natera Variant Classification Schema (03/2026). Collection method: clinical testing. Allele origin: germline.
Comment: The c.1717del variant in MYO7A is a frameshift variant predicted to shift the reading frame beginning at codon 573 and leads to a stop codon 49 codons downstream. This variant is expected to result in nonsense mediated decay, truncation, or a dysfunctional protein product. This variant is rare in the general population with a frequency below the threshold expected for the associated phenotype(s). This variant has been observed in one or more individuals affected with the associated recessive disease, as either homozygous or compound heterozygous with a second variant (PMID: 27460420). Given the available evidence, this variant is classified as Pathogenic.

Myriad Genetics, Inc.
Classification: Pathogenic for Usher syndrome type 1. Last evaluated: 2025-02-10. Review status: criteria provided, single submitter. Criteria: Myriad Autosomal Dominant, Autosomal Recessive and X-Linked Classification Criteria (2023). Collection method: clinical testing. Allele origin: unknown.
Comment: NM_000260.3(MYO7A):c.1717delC(L573Cfs*49) is a frameshift variant classified as pathogenic in the context of MYO7A-related disorders. L573Cfs*49 has been observed in cases with relevant disease (PMID: 27460420, 34948090). Relevant functional assessments of this variant are not available in the literature. L573Cfs*49 has not been observed in referenced population frequency databases. In summary, NM_000260.3(MYO7A):c.1717delC(L573Cfs*49) is a frameshift variant in a gene where loss of function is a known mechanism of disease, is predicted to disrupt protein function, and has been observed more frequently in cases with the relevant disease than in healthy populations. Please note: this variant was assessed in the context of healthy population screening.

Labcorp Genetics (formerly Invitae), Labcorp
Classification: Pathogenic. Last evaluated: 2020-10-02. Review status: criteria provided, single submitter. Criteria: Invitae Variant Classification Sherloc (09022015). Collection method: clinical testing. Allele origin: germline.
Comment: This variant is not present in population databases (ExAC no frequency). This sequence change creates a premature translational stop signal (p.Leu573Cysfs*49) in the MYO7A gene. It is expected to result in an absent or disrupted protein product. This variant has been observed in individual(s) with Usher syndrome (PMID: 27460420). For these reasons, this variant has been classified as Pathogenic. Loss-of-function variants in MYO7A are known to be pathogenic (PMID: 8900236, 25404053).

Literature cited by the submitters: PubMed 27460420 (cited by 3 submitters); PubMed 34948090 (cited by Myriad Genetics, Inc.); PubMed 8900236 (cited by Labcorp Genetics (formerly Invitae), Labcorp); PubMed 25404053 (cited by Labcorp Genetics (formerly Invitae), Labcorp).